The following is an entry in ClinVar:

ClinVar aggregate classification (germline): Pathogenic/Likely pathogenic. Review status: criteria provided, multiple submitters, no conflicts (2 of 4 stars). 2 submissions from 2 submitters: Pathogenic (1); Likely pathogenic (1). Last evaluated 2026-09-08.

Conditions:
Fabry disease. Also called: ALPHA-GALACTOSIDASE A DEFICIENCY; ANDERSON-FABRY DISEASE; CERAMIDE TRIHEXOSIDASE DEFICIENCY; GLA DEFICIENCY; HEREDITARY DYSTOPIC LIPIDOSIS; Angiokeratoma corporis diffusum. Identifiers: Orphanet 324, MedGen C0002986, MONDO:0010526, OMIM 301500, HP:0001071. Disease mechanism: Fabry disease is due to inactivating mutations in the X-linked GLA gene resulting in deficiency of the enzyme Alpha Galactosidase-A., loss of function.
Hereditary coproporphyria (HCP). Also called: COPROPORPHYRINOGEN OXIDASE DEFICIENCY; CPO DEFICIENCY; CPOX DEFICIENCY; CPX DEFICIENCY; Hereditary coproporphyria porphyria; Porphyria hepatica coproporphyria. Identifiers: Orphanet 79273, MedGen C0162531, MONDO:0007369, OMIM 121300.

Submissions (2):

Genomenon, Inc
Classification: Pathogenic for Fabry disease. Last evaluated: 2026-09-08. Review status: criteria provided, single submitter. Criteria: Genomenon Sequence Variant Interpretation Standards - Updated. Collection method: curation. Allele origin: germline. Affected: yes.
Comment: GLA p.Asp231Gly (c.692A>G) is a missense variant that changes the amino acid at codon 231 from Aspartic acid to Glycine. This variant has been observed in at least one proband with clinical features consistent with Fabry disease (PMID:28749998;32442237;20505683). At least one functional study has demonstrated a substantial alteration in protein function relative to the wild-type (PMID:27657681;20505683). This variant is located in a mutational hotspot and/or important functional domain. It is absent or not present at a significant frequency in gnomAD. In silico models predict that this variant is possibly or probably damaging. In conclusion, we classify GLA p.Asp231Gly (c.692A>G) as a pathogenic variant.

Genomic Medicine Center of Excellence, King Faisal Specialist Hospital and Research Centre
Classification: Likely pathogenic for Hereditary coproporphyria. Last evaluated: 2025-09-10. Review status: criteria provided, single submitter. Criteria: ACMG Guidelines, 2015. Collection method: clinical testing. Allele origin: germline.

Literature cited by the submitters: PubMed 28749998 (cited by Genomenon, Inc); PubMed 32442237 (cited by Genomenon, Inc); PubMed 20505683 (cited by Genomenon, Inc); PubMed 27657681 (cited by Genomenon, Inc).

NM_000169.3(GLA):c.692A>G (p.Asp231Gly)

Genes: GLA (galactosidase alpha; minus strand), RPL36A-HNRNPH2 (RPL36A-HNRNPH2 readthrough; plus strand). Cytogenetic location: Xq22.1.
Variant type: single nucleotide variant.
Coding change: c.692A>G on transcript NM_000169.3 (MANE Select); coding-DNA position 692, A replaced by G.
Protein change: p.Asp231Gly; replaces aspartic acid 231 with glycine.
Molecular consequence: missense variant. On other transcripts: non-coding transcript variant (3), intron variant (2).
Genome position (GRCh38, 1-based): chrX:101,398,894, T>C on the plus strand (A>G on the coding strand, the complement: GLA is on the minus strand). VCF-style: chrX-101398894-T-C. GRCh37 (hg19) VCF-style: chrX-100653882-T-C.
Other names: c.815A>G, p.Asp272Gly (NM_001406747.1); c.692A>G, p.Asp231Gly (NM_001406748.1); c.300+3437T>C (NM_001199973.2); c.177+7072T>C (NM_001199974.2); short protein forms D231G, D272G.
Identifiers: ClinVar variation 4087469 (VCV004087469.3).
Genomic context (GRCh38, chrX:101,398,894, plus strand): 5'-TCCTGGTTAAAAGATGTCCAGTCCAAGATACTCTTTATACTTTTCCAGGAATCATCAATG[T>C]CAGCAAAATTTCGCCAGTGATTGCAGTACTGTCGGATTTCTGTATAATTGGGCTGTGAAA-3'
Protein context (NP_000160.1, residues 221-241): QYCNHWRNFA[Asp231Gly]IDDSWKSIKS